The following is an entry in ClinVar:

ClinVar aggregate classification (germline): Benign/Likely benign. Review status: criteria provided, multiple submitters, no conflicts (2 of 4 stars). 4 submissions from 4 submitters: Benign (1); Likely benign (2). 1 of the submissions does not count toward it. Last evaluated 2025-11-04.

Conditions:
HPSE2-related disorder. Also called: HPSE2-related condition.
Urofacial syndrome type 1. Also called: HPSE2-Related Urofacial Syndrome. Identifiers: Orphanet 2704, MedGen CN033872, MONDO:0009368, OMIM 236730.

Allele frequency attached by ClinVar (database versions not stated): ESP Exome Variant Server 0.00031; gnomAD 0.00042 and 0.00048; 1000 Genomes Project 30x 0.00047; TOPMed 0.00047; gnomAD exomes 0.00058; 1000 Genomes Project 0.00060; ExAC 0.00060.
gnomAD v4.1: 616 of 1,614,070 alleles (0.038%); highest among the groups gnomAD compares: Middle Eastern, 0.21%; 6 homozygotes.

Submissions (4):

Labcorp Genetics (formerly Invitae), Labcorp
Classification: Benign. Last evaluated: 2025-11-04. Review status: criteria provided, single submitter. Criteria: Invitae Variant Classification Sherloc (09022015). Collection method: clinical testing. Allele origin: germline.

Blueprint Genetics
Classification: Likely benign. Last evaluated: 2024-11-01. Review status: criteria provided, single submitter. Criteria: ACMG Guidelines, 2015. Collection method: clinical testing. Allele origin: germline.

Fulgent Genetics
Classification: Likely benign for Urofacial syndrome type 1. Last evaluated: 2021-08-05. Review status: criteria provided, single submitter. Criteria: ACMG Guidelines, 2015. Collection method: clinical testing. Allele origin: unknown.

PreventionGenetics, part of Exact Sciences
Classification: Likely benign for HPSE2-related condition. Last evaluated: 2019-04-15. Review status: no assertion criteria provided. Collection method: clinical testing. Allele origin: germline. Not counted in ClinVar's aggregate classification.
Comment: This variant is classified as likely benign based on ACMG/AMP sequence variant interpretation guidelines (Richards et al. 2015 PMID: 25741868, with internal and published modifications).

NM_021828.5(HPSE2):c.573G>A (p.Glu191=)

Gene: HPSE2 (heparanase 2 (inactive); minus strand). Cytogenetic location: 10q24.2.
Variant type: single nucleotide variant.
Coding change: c.573G>A on transcript NM_021828.5 (MANE Select); coding-DNA position 573, G replaced by A.
Protein change: p.Glu191=; no amino-acid change (glutamic acid 191 retained).
Molecular consequence: synonymous variant. On other transcripts: intron variant (1).
Genome position (GRCh38, 1-based): chr10:99,144,275, C>T on the plus strand (G>A on the coding strand, the complement: HPSE2 is on the minus strand). VCF-style: chr10-99144275-C-T. GRCh37 (hg19) VCF-style: chr10-100904032-C-T.
Other names: c.573G>A, p.Glu191= (NM_001166244.1, NM_001166246.1); c.448+88073G>A (NM_001166245.1).
Identifiers: ClinVar variation 716933 (VCV000716933.13), dbSNP rs148098032, ClinGen allele CA5639973.